The following is an entry in ClinVar:

NM_000045.4(ARG1):c.124_125insT (p.Glu42fs)

Genes: ARG1 (arginase 1; plus strand), MED23 (mediator complex subunit 23; minus strand). Cytogenetic location: 6q23.2.
Variant type: Insertion.
Coding change: c.124_125insT on transcript NM_000045.4 (MANE Select); coding-DNA positions 124 to 125, T inserted.
Protein change: p.Glu42fs; shifts the reading frame from glutamic acid 42.
Molecular consequence: frameshift variant. On other transcripts: intron variant (2).
Genome position: GRCh38 VCF-style: chr6-131576729-G-GT. GRCh37 (hg19) VCF-style: chr6-131897869-G-GT.
Other names: c.124_125insT, p.Glu42fs (NM_001244438.2, NM_001369020.1); c.4078-2435_4078-2434insA (NM_001270521.2); c.4096-2435_4096-2434insA (NM_015979.4); short protein forms E42fs.
Identifiers: ClinVar variation 2018545 (VCV002018545.4), dbSNP rs2482334738, ClinGen allele CA2580075096.
Genomic context (GRCh38, chr6:131,576,729, plus strand): 5'-GGAGGGGTGGAAGAAGGCCCTACAGTATTGAGAAAGGCTGGTCTGCTTGAGAAACTTAAA[G>GT]AACAAGGTAATTTTTAAGTTGAAAAATGATCAGCCTGATTTCCTCCCCACTCTGAAGGAA-3'

ClinVar aggregate classification (germline): Pathogenic (1 of 4 stars; one submission).

Conditions:
Arginase deficiency. Also called: ARGININEMIA; ARG1 DEFICIENCY; Arginase 1 Deficiency. Identifiers: Orphanet 90, MedGen C0268548, MONDO:0008814, OMIM 207800.

Allele frequency attached by ClinVar (database versions not stated): gnomAD exomes below 0.00001.

Submission:

Labcorp Genetics (formerly Invitae), Labcorp
Classification: Pathogenic for Arginase deficiency. Last evaluated: 2022-07-21. Review status: criteria provided, single submitter. Criteria: Invitae Variant Classification Sherloc (09022015). Collection method: clinical testing. Allele origin: germline.
Comment: Algorithms developed to predict the effect of sequence changes on RNA splicing suggest that this variant may disrupt the consensus splice site. This sequence change creates a premature translational stop signal (p.Glu42Valfs*5) in the ARG1 gene. It is expected to result in an absent or disrupted protein product. Loss-of-function variants in ARG1 are known to be pathogenic (PMID: 7649538, 12052859). This variant is not present in population databases (gnomAD no frequency). This variant has not been reported in the literature in individuals affected with ARG1-related conditions. For these reasons, this variant has been classified as Pathogenic.

Literature cited by the submitters: PubMed 7649538; PubMed 12052859.